The following is an entry in ClinVar:

NM_000051.4(ATM):c.2007T>A (p.Cys669Ter)

Gene: ATM (ATM serine/threonine kinase; plus strand). Cytogenetic location: 11q22.3.
Variant type: single nucleotide variant.
Coding change: c.2007T>A on transcript NM_000051.4 (MANE Select); coding-DNA position 2007, T replaced by A.
Protein change: p.Cys669Ter; replaces cysteine 669 with a stop codon.
Molecular consequence: nonsense.
Genome position (GRCh38, 1-based): chr11:108,253,922, T>A. VCF-style: chr11-108253922-T-A. GRCh37 (hg19) VCF-style: chr11-108124649-T-A.
Other names: c.2007T>A, p.Cys669Ter (NM_001351834.2); short protein forms C669*.
Identifiers: ClinVar variation 1803769 (VCV001803769.2), dbSNP rs2497314100, ClinGen allele CA382537062.

ClinVar aggregate classification (germline): Likely pathogenic (1 of 4 stars; one submission).

Conditions:
Familial cancer of breast. Also called: BREAST CANCER, FAMILIAL; Hereditary breast cancer; hereditary breast carcinoma. Identifiers: Orphanet 227535, MedGen C0346153, MONDO:0016419, OMIM 114480. Disease mechanism: loss of function.

Submission:

Centre for Mendelian Genomics, University Medical Centre Ljubljana
Classification: Likely pathogenic for Familial cancer of breast. Last evaluated: 2022-12-09. Review status: criteria provided, single submitter. Criteria: ACMG Guidelines, 2015. Collection method: research. Allele origin: germline. Affected: no.
Comment: PVS1, PM2_SUP